The following is an entry in ClinVar:

ClinVar aggregate classification (germline): Uncertain significance (1 of 4 stars; one submission).

Conditions:
Candidiasis, familial, 9 (CANDF9). Identifiers: Orphanet 1334, MedGen C4225324, MONDO:0014642, OMIM 616445.

Submission:

Labcorp Genetics (formerly Invitae), Labcorp
Classification: Uncertain significance for Candidiasis, familial, 9. Last evaluated: 2025-02-19. Review status: criteria provided, single submitter. Criteria: Invitae Variant Classification Sherloc (09022015). Collection method: clinical testing. Allele origin: germline.
Comment: This variant, c.2138_2140del, results in the deletion of 1 amino acid(s) of the IL17RC protein (p.Ala713del), but otherwise preserves the integrity of the reading frame. This variant is not present in population databases (gnomAD no frequency). This variant has not been reported in the literature in individuals affected with IL17RC-related conditions. ClinVar contains an entry for this variant (Variation ID: 2903307). Experimental studies and prediction algorithms are not available or were not evaluated, and the functional significance of this variant is currently unknown. In summary, the available evidence is currently insufficient to determine the role of this variant in disease. Therefore, it has been classified as a Variant of Uncertain Significance.

NM_153460.4(IL17RC):c.1925_1927del (p.Ala642del)

Gene: IL17RC (interleukin 17 receptor C; plus strand). Cytogenetic location: 3p25.3.
Variant type: Deletion.
Coding change: c.1925_1927del on transcript NM_153460.4 (MANE Select); coding-DNA positions 1925 to 1927, 3 bases deleted (CCG; older notation c.1925_1927delCCG).
Protein change: p.Ala642del; deletes alanine 642.
Molecular consequence: inframe deletion. On other transcripts: non-coding transcript variant (1).
Genome position (GRCh38, 1-based): chr3:9,933,355-9,933,357, CCG deleted; deleting any 3 consecutive bases within chr3:9,933,353-9,933,357 gives the same sequence; the c. name uses the placement nearest the transcript's 3' end. VCF-style (leftmost placement, unchanged base first): chr3-9933352-ACGC-A. GRCh37 (hg19) VCF-style: chr3-9975036-ACGC-A.
Other names: c.1886_1888del, p.Ala629del (NM_001203263.2); c.1835_1837del, p.Ala612del (NM_001203264.2); c.1829_1831del, p.Ala610del (NM_001203265.2); c.1847_1849del, p.Ala616del (NM_001367278.1); c.1766_1768del, p.Ala589del (NM_001367279.1); c.1841_1843del, p.Ala614del (NM_001367280.1); c.1790_1792del, p.Ala597del (NM_001410711.1); c.1880_1882del, p.Ala627del (NM_032732.6); and 1 more; short protein forms A597del, A610del, A627del, A629del, A612del, A616del, A589del, A614del.
Identifiers: ClinVar variation 2903307 (VCV002903307.3), dbSNP rs1466714158, ClinGen allele CA784183057.